The following is an entry in ClinVar:

ClinVar aggregate classification (germline): Uncertain significance (1 of 4 stars; one submission).

Conditions:
Inborn genetic diseases. Identifiers: MedGen C0950123, MeSH D030342.

Submission:

Ambry Genetics
Classification: Uncertain significance for Inborn genetic diseases. Last evaluated: 2025-04-29. Review status: criteria provided, single submitter. Criteria: Ambry Variant Classification Scheme 2023. Collection method: clinical testing. Allele origin: germline.
Comment: The p.S733F variant (also known as c.2198C>T), located in coding exon 17 of the BUB1B gene, results from a C to T substitution at nucleotide position 2198. The serine at codon 733 is replaced by phenylalanine, an amino acid with highly dissimilar properties. This amino acid position is conserved. In addition, this alteration is predicted to be tolerated by in silico analysis. Since supporting evidence is limited at this time, the clinical significance of this alteration remains unclear.

NM_001211.6(BUB1B):c.2198C>T (p.Ser733Phe)

Gene: BUB1B (BUB1 mitotic checkpoint serine/threonine kinase B; plus strand). Cytogenetic location: 15q15.1.
Variant type: single nucleotide variant.
Coding change: c.2198C>T on transcript NM_001211.6 (MANE Select); coding-DNA position 2198, C replaced by T.
Protein change: p.Ser733Phe; replaces serine 733 with phenylalanine.
Molecular consequence: missense variant.
Genome position (GRCh38, 1-based): chr15:40,209,689, C>T. VCF-style: chr15-40209689-C-T. GRCh37 (hg19) VCF-style: chr15-40501890-C-T.
Other names: short protein forms S733F.
Identifiers: ClinVar variation 1787519 (VCV001787519.3), dbSNP rs2542571701, ClinGen allele CA391694331.
Genomic context (GRCh38, chr15:40,209,689, plus strand): 5'-TGGCAGAAAACCCTACTCAGTCACCATGGTGTTCACAGTATCGCAGACAGCTACTGAAGT[C>T]CCTACCAGAGTTAAGTGCCTCTGCAGAGTTGTGTATAGAAGACAGACCAATGCCTAAGTT-3'
Protein context (NP_001202.5, residues 723-743): CSQYRRQLLK[Ser733Phe]LPELSASAEL